The following is an entry in ClinVar:

NM_144687.4(NLRP12):c.2585+1G>C

Gene: NLRP12 (NLR family pyrin domain containing 12; minus strand). Cytogenetic location: 19q13.42.
Variant type: single nucleotide variant.
Coding change: c.2585+1G>C on transcript NM_144687.4 (MANE Select); the canonical splice donor site of the intron after coding-DNA position 2585, G replaced by C.
Molecular consequence: splice donor variant.
Genome position (GRCh38, 1-based): chr19:53,803,951, C>G on the plus strand (G>C on the coding strand, the complement: NLRP12 is on the minus strand). VCF-style: chr19-53803951-C-G. GRCh37 (hg19) VCF-style: chr19-54307205-C-G.
Other names: c.2585+1G>C (NM_001277129.1); c.2588+1G>C (NM_001277126.2).
Identifiers: ClinVar variation 4773170 (VCV004773170.1).

ClinVar aggregate classification (germline): Uncertain significance (1 of 4 stars; one submission).

Conditions:
Familial cold autoinflammatory syndrome 2 (FCAS2). Identifiers: Orphanet 247868, MedGen C2673198, MONDO:0012724, OMIM 611762.

Submission:

Labcorp Genetics (formerly Invitae), Labcorp
Classification: Uncertain significance for Familial cold autoinflammatory syndrome 2. Last evaluated: 2026-02-01. Review status: criteria provided, single submitter. Criteria: Invitae Variant Classification Sherloc (09022015). Collection method: clinical testing. Allele origin: germline.
Comment: This sequence change affects a donor splice site in intron 6 of the NLRP12 gene. It is expected to disrupt RNA splicing. Variants that disrupt the donor or acceptor splice site typically lead to a loss of protein function (PMID: 16199547), however the current clinical and genetic evidence is not sufficient to establish whether loss-of-function variants in NLRP12 cause disease. This variant is not present in population databases (gnomAD no frequency). This variant has not been reported in the literature in individuals affected with NLRP12-related conditions. Algorithms developed to predict the effect of sequence changes on RNA splicing suggest that this variant may disrupt the consensus splice site. In summary, the available evidence is currently insufficient to determine the role of this variant in disease. Therefore, it has been classified as a Variant of Uncertain Significance.

Literature cited by the submitters: PubMed 16199547.